The following is an entry in ClinVar:

ClinVar aggregate classification (germline): Uncertain significance. Review status: criteria provided, multiple submitters, no conflicts (2 of 4 stars). 2 submissions from 2 submitters: Uncertain significance (2). Last evaluated 2025-08-24.

Conditions:
Inborn genetic diseases. Identifiers: MedGen C0950123, MeSH D030342.

Allele frequency attached by ClinVar (database versions not stated): ExAC 0.00001; gnomAD 0.00002 and 0.00003; gnomAD exomes below 0.00001; TOPMed 0.00003.
gnomAD v4.1: 4 of 1,612,394 alleles (0.00025%); highest among the groups gnomAD compares: Non-Finnish European, 0.00034%; no homozygotes.

Submissions (2):

Labcorp Genetics (formerly Invitae), Labcorp
Classification: Uncertain significance. Last evaluated: 2025-08-24. Review status: criteria provided, single submitter. Criteria: Invitae Variant Classification Sherloc (09022015). Collection method: clinical testing. Allele origin: germline.
Comment: This sequence change replaces methionine, which is neutral and non-polar, with valine, which is neutral and non-polar, at codon 2189 of the ATR protein (p.Met2189Val). This variant is present in population databases (rs759909672, gnomAD 0.01%). This variant has not been reported in the literature in individuals affected with ATR-related conditions. ClinVar contains an entry for this variant (Variation ID: 1382048). An algorithm developed to predict the effect of missense changes on protein structure and function (PolyPhen-2) suggests that this variant is likely to be tolerated. In summary, the available evidence is currently insufficient to determine the role of this variant in disease. Therefore, it has been classified as a Variant of Uncertain Significance.

Ambry Genetics
Classification: Uncertain significance for Inborn genetic diseases. Last evaluated: 2022-12-24. Review status: criteria provided, single submitter. Criteria: Ambry Variant Classification Scheme 2023. Collection method: clinical testing. Allele origin: germline.
Comment: The p.M2189V variant (also known as c.6565A>G), located in coding exon 39 of the ATR gene, results from an A to G substitution at nucleotide position 6565. The methionine at codon 2189 is replaced by valine, an amino acid with highly similar properties. This amino acid position is conserved. In addition, this alteration is predicted to be tolerated by in silico analysis. Since supporting evidence is limited at this time, the clinical significance of this alteration remains unclear.

NM_001184.4(ATR):c.6565A>G (p.Met2189Val)

Gene: ATR (ATR checkpoint kinase; minus strand). Cytogenetic location: 3q23.
Variant type: single nucleotide variant.
Coding change: c.6565A>G on transcript NM_001184.4 (MANE Select); coding-DNA position 6565, A replaced by G.
Protein change: p.Met2189Val; replaces methionine 2189 with valine.
Molecular consequence: missense variant.
Genome position (GRCh38, 1-based): chr3:142,468,056, T>C on the plus strand (A>G on the coding strand, the complement: ATR is on the minus strand). VCF-style: chr3-142468056-T-C. GRCh37 (hg19) VCF-style: chr3-142186898-T-C.
Other names: c.6373A>G, p.Met2125Val (NM_001354579.2); c.6565A>G (NM_001184.3); short protein forms M2189V, M2125V.
Identifiers: ClinVar variation 1382048 (VCV001382048.7), dbSNP rs759909672, ClinGen allele CA2649299.